The following is an entry in ClinVar:

NM_000233.4(LHCGR):c.947+968_947+970del

Genes: LHCGR (luteinizing hormone/choriogonadotropin receptor; minus strand), STON1-GTF2A1L (STON1-GTF2A1L readthrough; plus strand). Cytogenetic location: 2p16.3.
Variant type: Microsatellite.
Coding change: c.947+968_947+970del on transcript NM_000233.4 (MANE Select); bases 968 to 970 of the intron after coding-DNA position 947, 3 bases deleted (ACA; older notation c.947+968_947+970delACA).
Molecular consequence: intron variant.
Genome position (GRCh38, 1-based): chr2:48,693,254-48,693,256, TGT deleted on the plus strand (ACA on the coding strand, the reverse complement: LHCGR is on the minus strand); deleting any 3 consecutive bases within chr2:48,693,254-48,693,259 gives the same sequence; the c. name uses the placement nearest the transcript's 3' end. VCF-style (leftmost placement, unchanged base first): chr2-48693253-GTGT-G. GRCh37 (hg19) VCF-style: chr2-48920392-GTGT-G.
Other names: c.3441+21577_3441+21579del (NM_001198593.2).
Identifiers: ClinVar variation 2650898 (VCV002650898.24), dbSNP rs539220717, ClinGen allele CA46756575.

ClinVar aggregate classification (germline): Likely benign (1 of 4 stars; one submission).

Submission:

CeGaT Center for Human Genetics Tuebingen
Classification: Likely benign. Last evaluated: 2023-01-01. Review status: criteria provided, single submitter. Criteria: CeGaT Center For Human Genetics Tuebingen Variant Classification Criteria Version 2. Collection method: clinical testing. Allele origin: germline. Affected: yes. Observed: 1 variant allele.
Comment: LHCGR: BS1